The following is an entry in ClinVar:

ClinVar aggregate classification (germline): Uncertain significance (1 of 4 stars; one submission).

Allele frequency attached by ClinVar (database versions not stated): gnomAD exomes below 0.00001; ExAC 0.00001; gnomAD 0.00001.
gnomAD v4.1: 1 of 1,612,476 alleles (0.000062%); highest among the groups gnomAD compares: Non-Finnish European, 0.000085%; no homozygotes.

Submission:

Labcorp Genetics (formerly Invitae), Labcorp
Classification: Uncertain significance. Last evaluated: 2021-02-14. Review status: criteria provided, single submitter. Criteria: Invitae Variant Classification Sherloc (09022015). Collection method: clinical testing. Allele origin: germline.
Comment: This sequence change replaces cysteine with serine at codon 678 of the ZNF341 protein (p.Cys678Ser). The cysteine residue is highly conserved and there is a moderate physicochemical difference between cysteine and serine. This variant is present in population databases (rs768170928, ExAC 0.002%). This variant has not been reported in the literature in individuals with ZNF341-related conditions. Algorithms developed to predict the effect of missense changes on protein structure and function are either unavailable or do not agree on the potential impact of this missense change (SIFT: "Deleterious"; PolyPhen-2: "Probably Damaging"; Align-GVGD: "Class C0"). In summary, the available evidence is currently insufficient to determine the role of this variant in disease. Therefore, it has been classified as a Variant of Uncertain Significance.

NM_001282933.2(ZNF341):c.2053T>A (p.Cys685Ser)

Genes: ZNF341 (zinc finger protein 341; plus strand), ZNF341-AS1 (ZNF341 antisense RNA 1; minus strand). Cytogenetic location: 20q11.22.
Variant type: single nucleotide variant.
Coding change: c.2053T>A on transcript NM_001282933.2 (MANE Select); coding-DNA position 2053, T replaced by A.
Protein change: p.Cys685Ser; replaces cysteine 685 with serine.
Molecular consequence: missense variant. On other transcripts: non-coding transcript variant (1).
Genome position (GRCh38, 1-based): chr20:33,791,005, T>A. VCF-style: chr20-33791005-T-A. GRCh37 (hg19) VCF-style: chr20-32378811-T-A.
Other names: c.1783T>A, p.Cys595Ser (NM_001282935.2); c.2032T>A, p.Cys678Ser (NM_032819.5); short protein forms C678S, C685S, C595S.
Identifiers: ClinVar variation 1372159 (VCV001372159.8), dbSNP rs768170928, ClinGen allele CA9819684.
Genomic context (GRCh38, chr20:33,791,005, plus strand): 5'-TGAAGGTCTGGATGCTTCTCACTGACTTTCCCTTGCCCTCCAGGCATGAAGCTCCACAAA[T>A]GCGCCCTGTGCAGCAAGTCCTTCAGCCGCCGTGCCCACCTCGCCGAGCATCAGCGCGCCC-3'
Protein context (NP_001269862.1, residues 675-695): LSHSGMKLHK[Cys685Ser]ALCSKSFSRR